The following is an entry in ClinVar:

NC_000008.10:g.(?_97156791)_(97345794_?)dup

Genes: GDF6 (growth differentiation factor 6; minus strand), MTERF3 (mitochondrial transcription termination factor 3; minus strand), PTDSS1 (phosphatidylserine synthase 1; plus strand), UQCRB (ubiquinol-cytochrome c reductase binding protein; minus strand). Cytogenetic location: 8q22.1.
Variant type: Duplication.
Identifiers: ClinVar variation 2425970 (VCV002425970.3).

ClinVar aggregate classification (germline): Uncertain significance (1 of 4 stars; one submission).

Submission:

Labcorp Genetics (formerly Invitae), Labcorp
Classification: Uncertain significance. Last evaluated: 2023-09-29. Review status: criteria provided, single submitter. Criteria: Invitae Variant Classification Sherloc (09022015). Collection method: clinical testing. Allele origin: germline.
Comment: A copy number gain of the genomic region encompassing the full coding sequence of the PTDSS1 gene has been identified. The boundaries of this event are unknown as they extend beyond the assayed region for this gene and therefore may encompass additional genes. As the precise location of this event is unknown, it may be in tandem or it may be located elsewhere in the genome. This variant has not been reported in the literature in individuals affected with PTDSS1-related conditions. In summary, the available evidence is currently insufficient to determine the role of this variant in disease. Therefore, it has been classified as a Variant of Uncertain Significance.